The following is an entry in ClinVar:

ClinVar aggregate classification (germline): Likely benign. Review status: criteria provided, multiple submitters, no conflicts (2 of 4 stars). 3 submissions from 3 submitters: Likely benign (3). Last evaluated 2026-06-09.

Conditions:
Smith-Lemli-Opitz syndrome (SLOS). Also called: LETHAL ACRODYSGENITAL SYNDROME; 7-Dehydrocholesterol reductase deficiency; POLYDACTYLY, SEX REVERSAL, RENAL HYPOPLASIA, AND UNILOBAR LUNG; RSH SYNDROME; RUTLEDGE LETHAL MULTIPLE CONGENITAL ANOMALY SYNDROME. Identifiers: Orphanet 818, MedGen C0175694, MONDO:0010035, OMIM 270400.
DHCR7-related disorder. Also called: DHCR7-related condition.
Inborn genetic diseases. Identifiers: MedGen C0950123, MeSH D030342.

Allele frequency attached by ClinVar (database versions not stated): gnomAD exomes below 0.00001; ExAC 0.00001.
gnomAD v4.1: 3 of 1,608,890 alleles (0.00019%); highest among the groups gnomAD compares: Admixed American, 0.0017%; no homozygotes.

Submissions (3):

Ambry Genetics
Classification: Likely benign for Inborn genetic diseases. Last evaluated: 2026-06-09. Review status: criteria provided, single submitter. Criteria: Ambry Variant Classification Scheme 2023. Collection method: clinical testing. Allele origin: germline.

Labcorp Genetics (formerly Invitae), Labcorp
Classification: Likely benign for Smith-Lemli-Opitz syndrome. Last evaluated: 2025-09-30. Review status: criteria provided, single submitter. Criteria: Invitae Variant Classification Sherloc (09022015). Collection method: clinical testing. Allele origin: germline.

PreventionGenetics, part of Exact Sciences
Classification: Likely benign for DHCR7-related condition. Last evaluated: 2025-01-17. Review status: criteria provided, single submitter. Criteria: ACMG Guidelines, 2015. Collection method: clinical testing. Allele origin: germline.
Comment: This variant is classified as likely benign based on ACMG/AMP sequence variant interpretation guidelines (Richards et al. 2015 PMID: 25741868, with internal and published modifications).

NM_001360.3(DHCR7):c.1020C>T (p.Val340=)

Gene: DHCR7 (7-dehydrocholesterol reductase; minus strand). Cytogenetic location: 11q13.4.
Variant type: single nucleotide variant.
Coding change: c.1020C>T on transcript NM_001360.3 (MANE Select); coding-DNA position 1020, C replaced by T.
Protein change: p.Val340=; no amino-acid change (valine 340 retained).
Molecular consequence: synonymous variant.
Genome position (GRCh38, 1-based): chr11:71,435,783, G>A on the plus strand (C>T on the coding strand, the complement: DHCR7 is on the minus strand). VCF-style: chr11-71435783-G-A. GRCh37 (hg19) VCF-style: chr11-71146829-G-A.
Other names: c.1020C>T, p.Val340= (NM_001163817.2); c.1020C>T (NM_001360.2).
Identifiers: ClinVar variation 1090700 (VCV001090700.11), dbSNP rs763165078, ClinGen allele CA6162331.